The following is an entry in ClinVar:

NM_015259.6(ICOSLG):c.356C>G (p.Ser119Cys)

Gene: ICOSLG (inducible T cell costimulator ligand; minus strand). Cytogenetic location: 21q22.3.
Variant type: single nucleotide variant.
Coding change: c.356C>G on transcript NM_015259.6 (MANE Select); coding-DNA position 356, C replaced by G.
Protein change: p.Ser119Cys; replaces serine 119 with cysteine.
Molecular consequence: missense variant. On other transcripts: intron variant (1).
Genome position (GRCh38, 1-based): chr21:44,236,917, G>C on the plus strand (C>G on the coding strand, the complement: ICOSLG is on the minus strand). VCF-style: chr21-44236917-G-C. GRCh37 (hg19) VCF-style: chr21-45656800-G-C.
Other names: c.356C>G, p.Ser119Cys (NM_001283050.2, NM_001395918.1); c.101C>G, p.Ser34Cys (NM_001283052.2); c.275C>G, p.Ser92Cys (NM_001365759.2); c.56-1355C>G (NM_001283051.2); short protein forms S34C, S92C, S119C.
Identifiers: ClinVar variation 1924252 (VCV001924252.5), dbSNP rs765378688, ClinGen allele CA321498108.
Genomic context (GRCh38, chr21:44,236,917, plus strand): 5'-ATGGTCCTACCTGCCACATGCAGTGTAACCTCAACGCTCAAAACCTCCTGGAATCCCAGG[G>C]ATTGGCTCAACACCAGGCAGTGAAACTTCTGCTCGTCCTGGGGGGTGACGTTGAACAAGC-3'
Protein context (NP_056074.1, residues 109-129): QKFHCLVLSQ[Ser119Cys]LGFQEVLSVE

ClinVar aggregate classification (germline): Uncertain significance (1 of 4 stars; one submission).

Allele frequency attached by ClinVar (database versions not stated): ExAC 0.00001.

Submission:

Labcorp Genetics (formerly Invitae), Labcorp
Classification: Uncertain significance. Last evaluated: 2023-12-09. Review status: criteria provided, single submitter. Criteria: Invitae Variant Classification Sherloc (09022015). Collection method: clinical testing. Allele origin: germline.
Comment: This sequence change replaces serine, which is neutral and polar, with cysteine, which is neutral and slightly polar, at codon 119 of the ICOSLG protein (p.Ser119Cys). The frequency data for this variant in the population databases is considered unreliable, as metrics indicate poor data quality at this position in the gnomAD database. This variant has not been reported in the literature in individuals affected with ICOSLG-related conditions. ClinVar contains an entry for this variant (Variation ID: 1924252). An algorithm developed to predict the effect of missense changes on protein structure and function (PolyPhen-2) suggests that this variant is likely to be disruptive. In summary, the available evidence is currently insufficient to determine the role of this variant in disease. Therefore, it has been classified as a Variant of Uncertain Significance.